The following is an entry in ClinVar:

NM_000059.4(BRCA2):c.3291dup (p.Asn1098Ter)

Gene: BRCA2 (BRCA2 DNA repair associated; plus strand). Cytogenetic location: 13q13.1.
Variant type: Duplication.
Coding change: c.3291dup on transcript NM_000059.4 (MANE Select); coding-DNA position 3291, one base duplicated (T; older notation c.3291dupT).
Protein change: p.Asn1098Ter; replaces asparagine 1098 with a stop codon.
Molecular consequence: nonsense.
Genome position (GRCh38, 1-based): chr13:32,337,646, T duplicated; the last of 4 consecutive T bases (chr13:32,337,643-32,337,646); duplicating any one gives the same sequence. VCF-style (leftmost placement, unchanged base first): chr13-32337642-A-AT. GRCh37 (hg19) VCF-style: chr13-32911779-A-AT.
Other names: 3519insT; c.3291dupT (NM_000059.3); short protein forms N1098*.
Identifiers: ClinVar variation 162103 (VCV000162103.7), dbSNP rs690016540, ClinGen allele CA273052.

ClinVar aggregate classification (germline): Pathogenic. Review status: reviewed by expert panel (3 of 4 stars). 3 submissions from 3 submitters: Pathogenic (1). 2 of the submissions do not count toward it. Last evaluated 2016-09-08.

Conditions:
Breast-ovarian cancer, familial, susceptibility to, 2 (BROVCA2). Also called: BRCA2 Hereditary Breast and Ovarian Cancer. Identifiers: Orphanet 145, MedGen C2675520, MONDO:0012933, OMIM 612555. Disease mechanism: loss of function.
Familial cancer of breast. Also called: BREAST CANCER, FAMILIAL; hereditary breast carcinoma; Hereditary breast cancer. Identifiers: Orphanet 227535, MedGen C0346153, MONDO:0016419, OMIM 114480. Disease mechanism: loss of function.

Submissions (3):

Evidence-based Network for the Interpretation of Germline Mutant Alleles (ENIGMA)
Classification: Pathogenic for Breast-ovarian cancer, familial, susceptibility to, 2. Last evaluated: 2016-09-08. Review status: reviewed by expert panel. Criteria: ENIGMA BRCA1/2 Classification Criteria (2015). Collection method: curation. Allele origin: germline.
Comment: Variant allele predicted to encode a truncated non-functional protein.

Myriad Genetics, Inc.
Classification: Pathogenic for Breast-ovarian cancer, familial, susceptibility to, 2. Last evaluated: 2023-06-27. Review status: criteria provided, single submitter. Criteria: Myriad Autosomal Dominant, Autosomal Recessive and X-Linked Classification Criteria (2023). Collection method: clinical testing. Allele origin: unknown. Not counted in ClinVar's aggregate classification.
Comment: This variant is considered pathogenic. This variant creates a termination codon and is predicted to result in premature protein truncation.

Faculty of Pharmacy, Ain Shams University
Classification: Pathogenic for Familial Breast cancer. Last evaluated: 2013-01-12. Review status: no assertion criteria provided. Collection method: clinical testing. Allele origin: germline. Inheritance: Autosomal dominant inheritance. Affected: yes. Observed: 3 variant alleles. Not counted in ClinVar's aggregate classification.
Comment: This insertion results in frameshift and termination of BRCA2 protein translation at codon1098. A previously described mutation (c.3264_3265insT) is reported in BIC database in several populations creates a stopcodon in the same position and is reported to be of clinical significance.

Determine the profile of BRCA1/2 mutations in Egyptian female breast cancer patients